The following is an entry in ClinVar:

ClinVar aggregate classification (germline): Uncertain significance. Review status: criteria provided, multiple submitters, no conflicts (2 of 4 stars). 7 submissions from 7 submitters: Uncertain significance (5). 2 of the submissions do not count toward it. Last evaluated 2025-11-04.

Conditions:
Usher syndrome type 1B (USH1B). Also called: Usher syndrome type IB. Identifiers: MedGen C1848638, MONDO:0700087.
Inborn genetic diseases. Identifiers: MedGen C0950123, MeSH D030342.
MYO7A-related disorder. Also called: MYO7A-related disorders.

Allele frequency attached by ClinVar (database versions not stated): gnomAD exomes 0.00003; ExAC 0.00014; TOPMed 0.00022.
gnomAD v4.1: 70 of 1,549,958 alleles (0.0045%); highest among the groups gnomAD compares: African/African-American, 0.091%; no homozygotes.

Submissions (7):

Labcorp Genetics (formerly Invitae), Labcorp
Classification: Uncertain significance. Last evaluated: 2025-11-04. Review status: criteria provided, single submitter. Criteria: Invitae Variant Classification Sherloc (09022015). Collection method: clinical testing. Allele origin: germline.
Comment: This sequence change replaces glutamine, which is neutral and polar, with histidine, which is basic and polar, at codon 809 of the MYO7A protein (p.Gln809His). The frequency data for this variant in the population databases is considered unreliable, as metrics indicate poor data quality at this position in the gnomAD database. This variant has not been reported in the literature in individuals affected with MYO7A-related conditions. ClinVar contains an entry for this variant (Variation ID: 286755). Invitae Evidence Modeling of protein sequence and biophysical properties (such as structural, functional, and spatial information, amino acid conservation, physicochemical variation, residue mobility, and thermodynamic stability) indicates that this missense variant is not expected to disrupt MYO7A protein function with a negative predictive value of 95%. In summary, the available evidence is currently insufficient to determine the role of this variant in disease. Therefore, it has been classified as a Variant of Uncertain Significance.

Ambry Genetics
Classification: Uncertain significance for Inborn genetic diseases. Last evaluated: 2025-08-10. Review status: criteria provided, single submitter. Criteria: Ambry Variant Classification Scheme 2023. Collection method: clinical testing. Allele origin: germline.

GeneDx
Classification: Uncertain significance. Last evaluated: 2024-08-06. Review status: criteria provided, single submitter. Criteria: GeneDx Variant Classification Process June 2021. Collection method: clinical testing. Allele origin: germline.
Comment: In silico analysis supports that this missense variant has a deleterious effect on protein structure/function; Has not been previously published as pathogenic or benign to our knowledge

Blueprint Genetics
Classification: Uncertain significance. Last evaluated: 2023-05-24. Review status: criteria provided, single submitter. Criteria: ACMG Guidelines, 2015. Collection method: clinical testing. Allele origin: germline.

Eurofins Ntd Llc (ga)
Classification: Uncertain significance. Last evaluated: 2016-03-21. Review status: criteria provided, single submitter. Criteria: EGL Classification Definitions 2015. Collection method: clinical testing. Allele origin: germline. Observed: 1 variant allele, 1 heterozygote.

PreventionGenetics, part of Exact Sciences
Classification: Uncertain significance for MYO7A-related condition. Last evaluated: 2024-08-23. Review status: no assertion criteria provided. Collection method: clinical testing. Allele origin: germline. Not counted in ClinVar's aggregate classification.
Comment: The MYO7A c.2427G>T variant is predicted to result in the amino acid substitution p.Gln809His. To our knowledge, this variant has not been reported in the literature. This variant is reported in 0.10% of alleles in individuals of African descent in gnomAD. Although we suspect that this variant may be benign, at this time, the clinical significance of this variant is uncertain due to the absence of conclusive functional and genetic evidence.

Natera, Inc.
Classification: Uncertain significance for Usher syndrome type 1B. Last evaluated: 2019-11-11. Review status: no assertion criteria provided. Collection method: clinical testing. Allele origin: germline. Not counted in ClinVar's aggregate classification.

NM_000260.4(MYO7A):c.2427G>T (p.Gln809His)

Gene: MYO7A (myosin VIIA; plus strand). Cytogenetic location: 11q13.5.
Variant type: single nucleotide variant.
Coding change: c.2427G>T on transcript NM_000260.4 (MANE Select); coding-DNA position 2427, G replaced by T.
Protein change: p.Gln809His; replaces glutamine 809 with histidine.
Molecular consequence: missense variant.
Genome position (GRCh38, 1-based): chr11:77,179,794, G>T. VCF-style: chr11-77179794-G-T. GRCh37 (hg19) VCF-style: chr11-76890840-G-T.
Other names: c.2427G>T, p.Gln809His (NM_001127180.2); c.2394G>T, p.Gln798His (NM_001369365.1); short protein forms Q809H, Q798H.
Identifiers: ClinVar variation 286755 (VCV000286755.14), dbSNP rs782650544, ClinGen allele CA6197841.